The following is an entry in ClinVar:

NM_001205293.3(CACNA1E):c.1056-8G>A

Gene: CACNA1E (calcium voltage-gated channel subunit alpha1 E; plus strand). Cytogenetic location: 1q25.3.
Variant type: single nucleotide variant.
Coding change: c.1056-8G>A on transcript NM_001205293.3 (MANE Select); 8 bases into the intron before coding-DNA position 1056, G replaced by A.
Molecular consequence: intron variant.
Genome position (GRCh38, 1-based): chr1:181,710,946, G>A. VCF-style: chr1-181710946-G-A. GRCh37 (hg19) VCF-style: chr1-181680082-G-A.
Other names: p.?; c.1056-8G>A (NM_000721.4, NM_001205294.2, NM_000721.3).
Identifiers: ClinVar variation 1293263 (VCV001293263.14), dbSNP rs17743547, ClinGen allele CA1275032.

ClinVar aggregate classification (germline): Benign. Review status: criteria provided, multiple submitters, no conflicts (2 of 4 stars). 6 submissions from 6 submitters: Benign (5). 1 of the submissions does not count toward it. Last evaluated 2026-02-03.

Conditions:
CACNA1E-related disorder. Also called: CACNA1E-related condition.
Developmental and epileptic encephalopathy, 69. Also called: EPILEPTIC ENCEPHALOPATHY, EARLY INFANTILE, 69. Identifiers: MedGen C4748988, MONDO:0032657, OMIM 618285.

Allele frequency attached by ClinVar (database versions not stated): TOPMed 0.12428; gnomAD exomes 0.13125; 1000 Genomes Project 30x 0.09635; ExAC 0.12793; 1000 Genomes Project 0.09325; ESP Exome Variant Server 0.12043; gnomAD 0.12358 and 0.12468.
gnomAD v4.1: 217,678 of 1,594,010 alleles (14%); highest among the groups gnomAD compares: Admixed American, 19%; 15,663 homozygotes.

Submissions (6):

Labcorp Genetics (formerly Invitae), Labcorp
Classification: Benign. Last evaluated: 2026-02-03. Review status: criteria provided, single submitter. Criteria: Invitae Variant Classification Sherloc (09022015). Collection method: clinical testing. Allele origin: germline.

Genome-Nilou Lab
Classification: Benign for Developmental and epileptic encephalopathy, 69. Last evaluated: 2023-04-11. Review status: criteria provided, single submitter. Criteria: ACMG Guidelines, 2015. Collection method: clinical testing. Allele origin: germline. Affected: no.

Mayo Clinic Laboratories, Mayo Clinic
Classification: Benign. Last evaluated: 2021-11-29. Review status: criteria provided, single submitter. Criteria: ACMG Guidelines, 2015. Collection method: clinical testing. Allele origin: germline. Observed: 62 variant alleles.

GeneDx
Classification: Benign. Last evaluated: 2020-11-01. Review status: criteria provided, single submitter. Criteria: GeneDx Variant Classification Process June 2021. Collection method: clinical testing. Allele origin: germline. Affected: yes.

Breakthrough Genomics
Classification: Benign. Review status: criteria provided, single submitter. Criteria: ACMG Guidelines, 2015. Collection method: not provided. Allele origin: germline. Inheritance: Autosomal dominant inheritance. Affected: yes.

PreventionGenetics, part of Exact Sciences
Classification: Benign for CACNA1E-related condition. Last evaluated: 2019-10-29. Review status: no assertion criteria provided. Collection method: clinical testing. Allele origin: germline. Not counted in ClinVar's aggregate classification.
Comment: This variant is classified as benign based on ACMG/AMP sequence variant interpretation guidelines (Richards et al. 2015 PMID: 25741868, with internal and published modifications).